The following is an entry in ClinVar:

ClinVar aggregate classification (germline): Benign. Review status: criteria provided, multiple submitters, no conflicts (2 of 4 stars). 2 submissions from 2 submitters: Benign (2). Last evaluated 2018-06-19.

Allele frequency attached by ClinVar (database versions not stated): TOPMed 0.08148; gnomAD 0.08451 and 0.08437; gnomAD exomes 0.08244; 1000 Genomes Project 30x 0.08448; 1000 Genomes Project 0.08726.

Submissions (2):

GeneDx
Classification: Benign. Last evaluated: 2018-06-19. Review status: criteria provided, single submitter. Criteria: GeneDx Variant Classification (06012015). Collection method: clinical testing. Allele origin: germline. Affected: yes.
Comment: This variant is considered likely benign or benign based on one or more of the following criteria: it is a conservative change, it occurs at a poorly conserved position in the protein, it is predicted to be benign by multiple in silico algorithms, and/or has population frequency not consistent with disease.

Breakthrough Genomics
Classification: Benign. Review status: criteria provided, single submitter. Criteria: ACMG Guidelines, 2015. Collection method: not provided. Allele origin: germline. Inheritance: Autosomal recessive inheritance. Affected: yes.

NM_003573.2(LTBP4):c.-201C>T

Gene: LTBP4 (latent transforming growth factor beta binding protein 4; plus strand). Cytogenetic location: 19q13.2.
Variant type: single nucleotide variant.
Coding change: c.-201C>T on transcript NM_003573.2; 201 bases upstream of the start codon, C replaced by T.
Genome position (GRCh38, 1-based): chr19:40,592,965, C>T. VCF-style: chr19-40592965-C-T. GRCh37 (hg19) VCF-style: chr19-41098871-C-T.
Identifiers: ClinVar variation 678508 (VCV000678508.4), dbSNP rs56013937, ClinGen allele CA15946475.